The following is an entry in ClinVar:

NM_001330360.2(POLA1):c.2888A>G (p.Tyr963Cys)

Gene: POLA1 (DNA polymerase alpha 1, catalytic subunit; plus strand). Cytogenetic location: Xp22.11.
Variant type: single nucleotide variant.
Coding change: c.2888A>G on transcript NM_001330360.2 (MANE Select); coding-DNA position 2888, A replaced by G.
Protein change: p.Tyr963Cys; replaces tyrosine 963 with cysteine.
Molecular consequence: missense variant. On other transcripts: non-coding transcript variant (2).
Genome position (GRCh38, 1-based): chrX:24,748,916, A>G. VCF-style: chrX-24748916-A-G. GRCh37 (hg19) VCF-style: chrX-24767033-A-G.
Other names: c.2813A>G, p.Tyr938Cys (NM_001378303.1); c.2870A>G, p.Tyr957Cys (NM_016937.4); short protein forms Y938C, Y963C, Y957C.
Identifiers: ClinVar variation 1360290 (VCV001360290.8), dbSNP rs2148405810, ClinGen allele CA412539411.
Genomic context (GRCh38, chrX:24,748,916, plus strand): 5'-TGTGTGGCCTGCAGTATGACATTCGACAGAAGGCTTTGAAGCTCACAGCGAACAGTATGT[A>G]TGGTTGCCTGGGATTTTCCTATAGCAGATTTTACGCCAAACCACTGGCTGCCTTGGTGAC-3'
Protein context (NP_001317289.1, residues 953-973): KALKLTANSM[Tyr963Cys]GCLGFSYSRF

ClinVar aggregate classification (germline): Uncertain significance (1 of 4 stars; one submission).

Submission:

Labcorp Genetics (formerly Invitae), Labcorp
Classification: Uncertain significance. Last evaluated: 2025-07-28. Review status: criteria provided, single submitter. Criteria: Invitae Variant Classification Sherloc (09022015). Collection method: clinical testing. Allele origin: germline.
Comment: This sequence change replaces tyrosine, which is neutral and polar, with cysteine, which is neutral and slightly polar, at codon 957 of the POLA1 protein (p.Tyr957Cys). This variant is not present in population databases (gnomAD no frequency). This variant has not been reported in the literature in individuals affected with POLA1-related conditions. ClinVar contains an entry for this variant (Variation ID: 1360290). Invitae Evidence Modeling of protein sequence and biophysical properties (such as structural, functional, and spatial information, amino acid conservation, physicochemical variation, residue mobility, and thermodynamic stability) indicates that this missense variant is expected to disrupt POLA1 protein function with a positive predictive value of 80%. In summary, the available evidence is currently insufficient to determine the role of this variant in disease. Therefore, it has been classified as a Variant of Uncertain Significance.